The following is an entry in ClinVar:

ClinVar aggregate classification (germline): Benign. Review status: criteria provided, multiple submitters, no conflicts (2 of 4 stars). 3 submissions from 3 submitters: Benign (3). Last evaluated 2026-09-01.

Allele frequency attached by ClinVar (database versions not stated): gnomAD 0.00387 and 0.00399; 1000 Genomes Project 30x 0.00422; 1000 Genomes Project 0.00459; TOPMed 0.00479; ESP Exome Variant Server 0.00531.
gnomAD v4.1: 9,105 of 1,555,952 alleles (0.59%); highest among the groups gnomAD compares: South Asian, 1.4%; 52 homozygotes.

Submissions (3):

CeGaT Center for Human Genetics Tuebingen
Classification: Benign. Last evaluated: 2026-09-01. Review status: criteria provided, single submitter. Criteria: CeGaT Center For Human Genetics Tuebingen Variant Classification Criteria Version 2. Collection method: clinical testing. Allele origin: germline. Affected: yes. Observed: 23 variant alleles.
Comment: TNIK: BP4, BS1, BS2

Labcorp Genetics (formerly Invitae), Labcorp
Classification: Benign. Last evaluated: 2019-12-31. Review status: criteria provided, single submitter. Criteria: Invitae Variant Classification Sherloc (09022015). Collection method: clinical testing. Allele origin: germline.

Breakthrough Genomics
Classification: Benign. Review status: criteria provided, single submitter. Criteria: ACMG Guidelines, 2015. Collection method: not provided. Allele origin: germline. Inheritance: Autosomal recessive inheritance. Affected: yes.

NM_015028.4(TNIK):c.3449-7A>T

Gene: TNIK (TRAF2 and NCK interacting kinase; minus strand). Cytogenetic location: 3q26.2.
Variant type: single nucleotide variant.
Coding change: c.3449-7A>T on transcript NM_015028.4 (MANE Select); 7 bases into the intron before coding-DNA position 3449, A replaced by T.
Molecular consequence: intron variant.
Genome position (GRCh38, 1-based): chr3:171,071,330, T>A on the plus strand (A>T on the coding strand, the complement: TNIK is on the minus strand). VCF-style: chr3-171071330-T-A. GRCh37 (hg19) VCF-style: chr3-170789119-T-A.
Other names: c.3173-7A>T (NM_001161566.3); c.3197-7A>T (NM_001161565.3); c.3338-7A>T (NM_001161562.3); c.3362-7A>T (NM_001161561.3); c.3260-7A>T (NM_001161564.3); c.3284-7A>T (NM_001161563.3); c.3425-7A>T (NM_001161560.3).
Identifiers: ClinVar variation 769283 (VCV000769283.28), dbSNP rs192304760, ClinGen allele CA2702936.